The following is an entry in ClinVar:

ClinVar aggregate classification (germline): Conflicting classifications of pathogenicity. Review status: criteria provided, conflicting classifications (1 of 4 stars). 2 submissions from 2 submitters: Uncertain significance (1); Likely benign (1). Last evaluated 2025-04-01.

Conditions:
Multiple acyl-CoA dehydrogenase deficiency (MADD). Also called: Glutaric aciduria, type 2; Glutaric acidemia type II; GA 2; ETHYLMALONIC-ADIPICACIDURIA; GA II; Glutaric Acidemia type 2. Identifiers: Orphanet 26791, MedGen C0268596, MONDO:0009282, OMIM 231680.

Allele frequency attached by ClinVar (database versions not stated): gnomAD 0.00001; ExAC 0.00002; TOPMed 0.00002.
gnomAD v4.1: 6 of 1,614,060 alleles (0.00037%); highest among the groups gnomAD compares: East Asian, 0.013%; no homozygotes.

Submissions (2):

GeneDx
Classification: Uncertain significance. Last evaluated: 2025-04-01. Review status: criteria provided, single submitter. Criteria: GeneDx Variant Classification Process June 2021. Collection method: clinical testing. Allele origin: germline. Affected: yes.
Comment: Has not been previously published as pathogenic or benign to our knowledge; In silico analysis suggests this variant may impact gene splicing. In the absence of RNA/functional studies, the actual effect of this sequence change is unknown.

Labcorp Genetics (formerly Invitae), Labcorp
Classification: Likely benign for Multiple acyl-CoA dehydrogenase deficiency. Last evaluated: 2025-03-25. Review status: criteria provided, single submitter. Criteria: Invitae Variant Classification Sherloc (09022015). Collection method: clinical testing. Allele origin: germline.

NM_001985.3(ETFB):c.174G>A (p.Val58=)

Gene: ETFB (electron transfer flavoprotein subunit beta; minus strand). Cytogenetic location: 19q13.41.
Variant type: single nucleotide variant.
Coding change: c.174G>A on transcript NM_001985.3 (MANE Select); coding-DNA position 174, G replaced by A.
Protein change: p.Val58=; no amino-acid change (valine 58 retained).
Molecular consequence: synonymous variant.
Genome position (GRCh38, 1-based): chr19:51,354,192, C>T on the plus strand (G>A on the coding strand, the complement: ETFB is on the minus strand). VCF-style: chr19-51354192-C-T. GRCh37 (hg19) VCF-style: chr19-51857446-C-T.
Other names: c.174G>A (NM_001985.2); c.447G>A, p.Val149= (NM_001014763.1).
Identifiers: ClinVar variation 2956225 (VCV002956225.4), dbSNP rs767608788, ClinGen allele CA9610843.